The following is an entry in ClinVar:

ClinVar aggregate classification (germline): Uncertain significance (1 of 4 stars; one submission).

Conditions:
ALG1-congenital disorder of glycosylation. Also called: CONGENITAL DISORDER OF GLYCOSYLATION, TYPE Ik; CDG Ik; ALG1-CDG. Identifiers: Orphanet 79327, MedGen C2931005, MONDO:0012052, OMIM 608540.

Allele frequency attached by ClinVar (database versions not stated): gnomAD 0.00001; TOPMed 0.00001; ExAC 0.00002; 1000 Genomes Project 0.00040; 1000 Genomes Project 30x 0.00047.
gnomAD v4.1: 3 of 1,599,596 alleles (0.00019%); highest among the groups gnomAD compares: Admixed American, 0.0033%; no homozygotes.

Submission:

Labcorp Genetics (formerly Invitae), Labcorp
Classification: Uncertain significance for ALG1-congenital disorder of glycosylation. Last evaluated: 2024-10-15. Review status: criteria provided, single submitter. Criteria: Invitae Variant Classification Sherloc (09022015). Collection method: clinical testing. Allele origin: germline.
Comment: This sequence change replaces aspartic acid, which is acidic and polar, with glycine, which is neutral and non-polar, at codon 291 of the ALG1 protein (p.Asp291Gly). This variant is present in population databases (rs192564717, gnomAD 0.006%). This variant has not been reported in the literature in individuals affected with ALG1-related conditions. ClinVar contains an entry for this variant (Variation ID: 1436952). Invitae Evidence Modeling of protein sequence and biophysical properties (such as structural, functional, and spatial information, amino acid conservation, physicochemical variation, residue mobility, and thermodynamic stability) indicates that this missense variant is not expected to disrupt ALG1 protein function with a negative predictive value of 80%. In summary, the available evidence is currently insufficient to determine the role of this variant in disease. Therefore, it has been classified as a Variant of Uncertain Significance.

NM_019109.5(ALG1):c.872A>G (p.Asp291Gly)

Gene: ALG1 (ALG1 chitobiosyldiphosphodolichol beta-mannosyltransferase; plus strand). Cytogenetic location: 16p13.3.
Variant type: single nucleotide variant.
Coding change: c.872A>G on transcript NM_019109.5 (MANE Select); coding-DNA position 872, A replaced by G.
Protein change: p.Asp291Gly; replaces aspartic acid 291 with glycine.
Molecular consequence: missense variant.
Genome position (GRCh38, 1-based): chr16:5,079,073, A>G. VCF-style: chr16-5079073-A-G. GRCh37 (hg19) VCF-style: chr16-5129074-A-G.
Other names: c.539A>G, p.Asp180Gly (NM_001330504.2); short protein forms D180G, D291G.
Identifiers: ClinVar variation 1436952 (VCV001436952.6), dbSNP rs192564717, ClinGen allele CA7890071.
Genomic context (GRCh38, chr16:5,079,073, plus strand): 5'-GAAGAGGGGTGTCTAGAAACAGGCCCCTGACATTCAATTCTCTTCTCATAGAGGACGAAG[A>G]CTTCTCCATCCTGCTGGCAGCTTTAGAAAGTAGGTGTGTGGCTGCGGTGAGGAGCTCTGG-3'
Protein context (NP_061982.3, residues 281-301): VSSTSWTEDE[Asp291Gly]FSILLAALEK